The following is an entry in ClinVar:

ClinVar aggregate classification (germline): Uncertain significance (1 of 4 stars; one submission).

Conditions:
Hereditary cancer-predisposing syndrome. Also called: Tumor predisposition; Hereditary Cancer Syndrome; Hereditary neoplastic syndrome; Neoplastic Syndromes, Hereditary. Identifiers: Orphanet 140162, MedGen C0027672, MeSH D009386, MONDO:0015356.

Submission:

Ambry Genetics
Classification: Uncertain significance for Hereditary cancer-predisposing syndrome. Last evaluated: 2024-04-17. Review status: criteria provided, single submitter. Criteria: Ambry Variant Classification Scheme 2023. Collection method: clinical testing. Allele origin: germline.
Comment: The p.L1280F variant (also known as c.3840G>C), located in coding exon 15 of the APC gene, results from a G to C substitution at nucleotide position 3840. The leucine at codon 1280 is replaced by phenylalanine, an amino acid with highly similar properties. This amino acid position is conserved. In addition, in silico predictors for this gene do not accurately predict pathogenicity. Based on the available evidence, the clinical significance of this variant remains unclear.

NM_000038.6(APC):c.3840G>C (p.Leu1280Phe)

Gene: APC (APC regulator of Wnt signaling pathway; plus strand). Cytogenetic location: 5q22.2.
Variant type: single nucleotide variant.
Coding change: c.3840G>C on transcript NM_000038.6 (MANE Select); coding-DNA position 3840, G replaced by C.
Protein change: p.Leu1280Phe; replaces leucine 1280 with phenylalanine.
Molecular consequence: missense variant. On other transcripts: non-coding transcript variant (2).
Genome position (GRCh38, 1-based): chr5:112,839,434, G>C. VCF-style: chr5-112839434-G-C. GRCh37 (hg19) VCF-style: chr5-112175131-G-C.
Other names: c.3756G>C, p.Leu1252Phe (NM_001354899.2); c.3717G>C, p.Leu1239Phe (NM_001354900.2); c.3663G>C, p.Leu1221Phe (NM_001354901.2, NM_001407453.1); c.3567G>C, p.Leu1189Phe (NM_001354902.2); c.3537G>C, p.Leu1179Phe (NM_001354903.2, NM_001407458.1, NM_001407459.1 and 1 more transcripts); c.3462G>C, p.Leu1154Phe (NM_001354904.2); c.3360G>C, p.Leu1120Phe (NM_001354905.2); c.2991G>C, p.Leu997Phe (NM_001354906.2, NM_001407470.1); and 11 more; short protein forms L1239F, L1273F, L1280F, L1298F, L1120F, L1151F, L1255F, L1262F.
Identifiers: ClinVar variation 3304804 (VCV003304804.1).